The following is an entry in ClinVar:

NM_001286577.2(C2CD3):c.5906C>T (p.Ser1969Leu)

Gene: C2CD3 (C2 domain containing 3 centriole elongation regulator; minus strand). Cytogenetic location: 11q13.4.
Variant type: single nucleotide variant.
Coding change: c.5906C>T on transcript NM_001286577.2 (MANE Select); coding-DNA position 5906, C replaced by T.
Protein change: p.Ser1969Leu; replaces serine 1969 with leucine.
Molecular consequence: missense variant.
Genome position (GRCh38, 1-based): chr11:74,034,254, G>A on the plus strand (C>T on the coding strand, the complement: C2CD3 is on the minus strand). VCF-style: chr11-74034254-G-A. GRCh37 (hg19) VCF-style: chr11-73745299-G-A.
Other names: short protein forms S1969L.
Identifiers: ClinVar variation 1468525 (VCV001468525.6), dbSNP rs1468115926, ClinGen allele CA381822143.

ClinVar aggregate classification (germline): Uncertain significance (1 of 4 stars; one submission).

Allele frequency attached by ClinVar (database versions not stated): TOPMed 0.00002; gnomAD 0.00003; gnomAD exomes 0.00003 and 0.00004.

Submission:

Labcorp Genetics (formerly Invitae), Labcorp
Classification: Uncertain significance. Last evaluated: 2021-09-30. Review status: criteria provided, single submitter. Criteria: Invitae Variant Classification Sherloc (09022015). Collection method: clinical testing. Allele origin: germline.
Comment: In summary, the available evidence is currently insufficient to determine the role of this variant in disease. Therefore, it has been classified as a Variant of Uncertain Significance. Experimental studies and prediction algorithms are not available or were not evaluated, and the functional significance of this variant is currently unknown. This variant has not been reported in the literature in individuals affected with C2CD3-related conditions. The frequency data for this variant in the population databases is considered unreliable, as metrics indicate insufficient coverage at this position in the ExAC database. This sequence change replaces serine with leucine at codon 1969 of the C2CD3 protein (p.Ser1969Leu). The C2CD3 gene has multiple clinically relevant transcripts. This variant occurs in alternate transcript NM_001286577.1, and corresponds to NM_015531.5:c.*344C>T in the primary transcript.